The following is an entry in ClinVar:

NM_005612.5(REST):c.3263A>G (p.Tyr1088Cys)

Gene: REST (RE1 silencing transcription factor; plus strand). Cytogenetic location: 4q12.
Variant type: single nucleotide variant.
Coding change: c.3263A>G on transcript NM_005612.5 (MANE Select); coding-DNA position 3263, A replaced by G.
Protein change: p.Tyr1088Cys; replaces tyrosine 1088 with cysteine.
Molecular consequence: missense variant.
Genome position (GRCh38, 1-based): chr4:56,932,121, A>G. VCF-style: chr4-56932121-A-G. GRCh37 (hg19) VCF-style: chr4-57798287-A-G.
Other names: c.3263A>G, p.Tyr1088Cys (NM_001193508.2, NM_001363453.3); short protein forms Y1088C.
Identifiers: ClinVar variation 942181 (VCV000942181.9), dbSNP rs1385129832, ClinGen allele CA357010581.

ClinVar aggregate classification (germline): Uncertain significance (1 of 4 stars; one submission).

Allele frequency attached by ClinVar (database versions not stated): TOPMed below 0.00001; gnomAD 0.00001; gnomAD exomes 0.00001.
gnomAD v4.1: 14 of 1,611,094 alleles (0.00087%); highest among the groups gnomAD compares: Admixed American, 0.0017%; no homozygotes.

Submission:

Labcorp Genetics (formerly Invitae), Labcorp
Classification: Uncertain significance. Last evaluated: 2022-11-08. Review status: criteria provided, single submitter. Criteria: Invitae Variant Classification Sherloc (09022015). Collection method: clinical testing. Allele origin: germline.
Comment: In summary, the available evidence is currently insufficient to determine the role of this variant in disease. Therefore, it has been classified as a Variant of Uncertain Significance. Algorithms developed to predict the effect of missense changes on protein structure and function are either unavailable or do not agree on the potential impact of this missense change (SIFT: "Deleterious"; PolyPhen-2: "Benign"; Align-GVGD: "Class C0"). ClinVar contains an entry for this variant (Variation ID: 942181). This variant has not been reported in the literature in individuals affected with REST-related conditions. This variant is present in population databases (no rsID available, gnomAD 0.007%). This sequence change replaces tyrosine, which is neutral and polar, with cysteine, which is neutral and slightly polar, at codon 1088 of the REST protein (p.Tyr1088Cys).